The following is an entry in ClinVar:

NM_006785.4(MALT1):c.67G>A (p.Ala23Thr)

Genes: MALT1 (MALT1 paracaspase; plus strand), MALT1-AS1 (MALT1 antisense RNA 1; minus strand), LOC130062586 (ATAC-STARR-seq lymphoblastoid silent region 9487; plus strand). Cytogenetic location: 18q21.32.
Variant type: single nucleotide variant.
Coding change: c.67G>A on transcript NM_006785.4 (MANE Select); coding-DNA position 67, G replaced by A.
Protein change: p.Ala23Thr; replaces alanine 23 with threonine.
Molecular consequence: missense variant. On other transcripts: non-coding transcript variant (1).
Genome position (GRCh38, 1-based): chr18:58,671,710, G>A. VCF-style: chr18-58671710-G-A. GRCh37 (hg19) VCF-style: chr18-56338942-G-A.
Other names: c.67G>A, p.Ala23Thr (NM_173844.3); short protein forms A23T.
Identifiers: ClinVar variation 1031680 (VCV001031680.6), dbSNP rs994799429, ClinGen allele CA300934665.

ClinVar aggregate classification (germline): Uncertain significance. Review status: criteria provided, multiple submitters, no conflicts (2 of 4 stars). 2 submissions from 2 submitters: Uncertain significance (2). Last evaluated 2024-10-22.

Conditions:
Combined immunodeficiency due to MALT1 deficiency. Also called: Immunodeficiency 12. Identifiers: Orphanet 397964, MedGen C3809583, MONDO:0014197, OMIM 615468.

Allele frequency attached by ClinVar (database versions not stated): gnomAD exomes below 0.00001; gnomAD 0.00001; TOPMed 0.00002.
gnomAD v4.1: 4 of 1,272,080 alleles (0.00031%); highest among the groups gnomAD compares: African/African-American, 0.0016%; no homozygotes.

Submissions (2):

Labcorp Genetics (formerly Invitae), Labcorp
Classification: Uncertain significance for Combined immunodeficiency due to MALT1 deficiency. Last evaluated: 2024-10-22. Review status: criteria provided, single submitter. Criteria: Invitae Variant Classification Sherloc (09022015). Collection method: clinical testing. Allele origin: germline.
Comment: This sequence change replaces alanine, which is neutral and non-polar, with threonine, which is neutral and polar, at codon 23 of the MALT1 protein (p.Ala23Thr). This variant is not present in population databases (gnomAD no frequency). This variant has not been reported in the literature in individuals affected with MALT1-related conditions. ClinVar contains an entry for this variant (Variation ID: 1031680). An algorithm developed to predict the effect of missense changes on protein structure and function (PolyPhen-2) suggests that this variant is likely to be tolerated. In summary, the available evidence is currently insufficient to determine the role of this variant in disease. Therefore, it has been classified as a Variant of Uncertain Significance.

Baylor Genetics
Classification: Uncertain significance for Combined immunodeficiency due to MALT1 deficiency. Last evaluated: 2018-04-13. Review status: criteria provided, single submitter. Criteria: ACMG Guidelines, 2015. Collection method: clinical testing. Allele origin: paternal. Affected: yes.
Comment: This variant was determined to be of uncertain significance according to ACMG Guidelines, 2015 [PMID:25741868].